The following is an entry in ClinVar:

NM_000548.5(TSC2):c.5315C>T (p.Ser1772Phe)

Gene: TSC2 (TSC complex subunit 2; plus strand). Cytogenetic location: 16p13.3.
Variant type: single nucleotide variant.
Coding change: c.5315C>T on transcript NM_000548.5 (MANE Select); coding-DNA position 5315, C replaced by T.
Protein change: p.Ser1772Phe; replaces serine 1772 with phenylalanine.
Molecular consequence: missense variant.
Genome position (GRCh38, 1-based): chr16:2,088,501, C>T. VCF-style: chr16-2088501-C-T. GRCh37 (hg19) VCF-style: chr16-2138502-C-T.
Other names: c.5315C>T (NM_000548.3); c.5114C>T, p.Ser1705Phe (NM_001077183.3); c.5246C>T, p.Ser1749Phe (NM_001114382.3); c.5006C>T, p.Ser1669Phe (NM_001318827.2); c.4970C>T, p.Ser1657Phe (NM_001318829.2); c.4583C>T, p.Ser1528Phe (NM_001318831.2); c.5147C>T, p.Ser1716Phe (NM_001318832.2); c.5117C>T, p.Ser1706Phe (NM_001363528.2); and 3 more; short protein forms S1706F, S1725F, S1705F, S1729F, S1749F, S1528F, S1657F, S1669F.
Identifiers: ClinVar variation 1460617 (VCV001460617.11), dbSNP rs2151639562, ClinGen allele CA394315451.

ClinVar aggregate classification (germline): Uncertain significance. Review status: criteria provided, multiple submitters, no conflicts (2 of 4 stars). 4 submissions from 4 submitters: Uncertain significance (4). Last evaluated 2025-08-08.

Conditions:
Hereditary cancer-predisposing syndrome. Also called: Neoplastic Syndromes, Hereditary; Hereditary Cancer Syndrome; Tumor predisposition; Hereditary neoplastic syndrome. Identifiers: Orphanet 140162, MedGen C0027672, MeSH D009386, MONDO:0015356.
Tuberous sclerosis syndrome (TSC). Also called: Tuberous sclerosis; Tuberous Sclerosis Complex. Identifiers: Orphanet 805, MedGen C0041341, MONDO:0001734.
Tuberous sclerosis 2 (TSC2). Identifiers: Orphanet 805, MedGen C1860707, MONDO:0013199, OMIM 613254.
Lymphangiomyomatosis (LAM). Also called: Lymphangioleiomyomatosis; Lymphangioleiomyomatosis, somatic. Identifiers: Orphanet 538, MedGen C0751674, MONDO:0011705, OMIM 606690.
Isolated focal cortical dysplasia type II (FCORD2). Also called: Focal cortical dysplasia type II; CORTICAL DYSPLASIA OF TAYLOR. Identifiers: Orphanet 268994, MedGen C1846385, MONDO:0011818, OMIM 607341, HP:0032051.

gnomAD v4.1: 1 of 1,612,896 alleles (0.000062%); highest among the groups gnomAD compares: East Asian, 0.0022%; no homozygotes.

Submissions (4):

Ambry Genetics
Classification: Uncertain significance for Hereditary cancer-predisposing syndrome. Last evaluated: 2025-08-08. Review status: criteria provided, single submitter. Criteria: Ambry Variant Classification Scheme 2023. Collection method: clinical testing. Allele origin: germline.
Comment: The p.S1772F variant (also known as c.5315C>T), located in coding exon 41 of the TSC2 gene, results from a C to T substitution at nucleotide position 5315. The serine at codon 1772 is replaced by phenylalanine, an amino acid with highly dissimilar properties. This amino acid position is conserved. In addition, the in silico prediction for this alteration is inconclusive. Based on the available evidence, the clinical significance of this variant remains unclear.

Fulgent Genetics
Classification: Uncertain significance for Lymphangiomyomatosis; Isolated focal cortical dysplasia type II; Tuberous sclerosis 2. Last evaluated: 2024-04-15. Review status: criteria provided, single submitter. Criteria: ACMG Guidelines, 2015. Collection method: clinical testing. Allele origin: germline.

Labcorp Genetics (formerly Invitae), Labcorp
Classification: Uncertain significance for Tuberous sclerosis 2. Last evaluated: 2024-04-09. Review status: criteria provided, single submitter. Criteria: Invitae Variant Classification Sherloc (09022015). Collection method: clinical testing. Allele origin: germline.
Comment: This sequence change replaces serine, which is neutral and polar, with phenylalanine, which is neutral and non-polar, at codon 1772 of the TSC2 protein (p.Ser1772Phe). This variant is not present in population databases (gnomAD no frequency). This variant has not been reported in the literature in individuals affected with TSC2-related conditions. ClinVar contains an entry for this variant (Variation ID: 1460617). Advanced modeling of protein sequence and biophysical properties (such as structural, functional, and spatial information, amino acid conservation, physicochemical variation, residue mobility, and thermodynamic stability) performed at Invitae indicates that this missense variant is not expected to disrupt TSC2 protein function with a negative predictive value of 95%. In summary, the available evidence is currently insufficient to determine the role of this variant in disease. Therefore, it has been classified as a Variant of Uncertain Significance.

All of Us Research Program, National Institutes of Health
Classification: Uncertain significance for Tuberous sclerosis syndrome. Last evaluated: 2023-12-01. Review status: criteria provided, single submitter. Criteria: ACMG Guidelines, 2015. Collection method: clinical testing. Allele origin: germline. Inheritance: Autosomal dominant inheritance. Observed: 1 variant allele, 1 heterozygote.
Comment: This study involves interpretation of variants in research participants for the purpose of population health screening. Participant phenotype was not available at the time of variant classification. Additional details can be found in publication PMID: 35346344, PMCID: PMC8962531